The following is an entry in ClinVar:

ClinVar aggregate classification (germline): Uncertain significance (1 of 4 stars; one submission).

Conditions:
Hereditary insensitivity to pain with anhidrosis (CIPA). Also called: INSENSITIVITY TO PAIN, CONGENITAL, WITH ANHIDROSIS; NTRK1 Congenital Insensitivity to Pain with Anhidrosis; NEUROPATHY, CONGENITAL SENSORY, WITH ANHIDROSIS; FAMILIAL DYSAUTONOMIA, TYPE II; HSAN Type IV; hereditary sensory and autonomic neuropathy type 4. Identifiers: Orphanet 642, MedGen C0020074, MONDO:0009746, OMIM 256800.

Submission:

Labcorp Genetics (formerly Invitae), Labcorp
Classification: Uncertain significance for Hereditary insensitivity to pain with anhidrosis. Last evaluated: 2022-04-23. Review status: criteria provided, single submitter. Criteria: Invitae Variant Classification Sherloc (09022015). Collection method: clinical testing. Allele origin: germline.
Comment: In summary, the available evidence is currently insufficient to determine the role of this variant in disease. Therefore, it has been classified as a Variant of Uncertain Significance. Advanced modeling of protein sequence and biophysical properties (such as structural, functional, and spatial information, amino acid conservation, physicochemical variation, residue mobility, and thermodynamic stability) performed at Invitae indicates that this missense variant is not expected to disrupt NTRK1 protein function. This variant has not been reported in the literature in individuals affected with NTRK1-related conditions. This variant is not present in population databases (gnomAD no frequency). This sequence change replaces tyrosine, which is neutral and polar, with histidine, which is basic and polar, at codon 675 of the NTRK1 protein (p.Tyr675His).

NM_002529.4(NTRK1):c.2041T>C (p.Tyr681His)

Gene: NTRK1 (neurotrophic receptor tyrosine kinase 1; plus strand). Cytogenetic location: 1q23.1.
Variant type: single nucleotide variant.
Coding change: c.2041T>C on transcript NM_002529.4 (MANE Select); coding-DNA position 2041, T replaced by C.
Protein change: p.Tyr681His; replaces tyrosine 681 with histidine.
Molecular consequence: missense variant.
Genome position (GRCh38, 1-based): chr1:156,879,357, T>C. VCF-style: chr1-156879357-T-C. GRCh37 (hg19) VCF-style: chr1-156849149-T-C.
Other names: c.2041T>C, p.Tyr681His (NM_001007204.1); c.1933T>C, p.Tyr645His (NM_001007792.1); c.2023T>C, p.Tyr675His (NM_001012331.2); short protein forms Y681H, Y675H, Y645H.
Identifiers: ClinVar variation 2087789 (VCV002087789.4), dbSNP rs2102925313, ClinGen allele CA342940115.